The following is an entry in ClinVar:

ClinVar aggregate classification (germline): Benign/Likely benign. Review status: criteria provided, multiple submitters, no conflicts (2 of 4 stars). 5 submissions from 4 submitters: Benign (1); Likely benign (4). Last evaluated 2018-07-07.

Conditions:
Maturity-onset diabetes of the young type 1. Also called: MILD JUVENILE DIABETES MELLITUS; MODY type 1; Diabetes mellitus MODY type 1; MODY HNF4A related; HNF4A-Related Maturity-Onset Diabetes of the Young Type 1; MODY, type I. Identifiers: Orphanet 552, MedGen C1852093, MONDO:0007452, OMIM 125850. Disease mechanism: loss of function.
Familial hyperinsulinism. Also called: Congenital hyperinsulinism. Identifiers: Orphanet 276525, MedGen C3888018, MONDO:0017182. Disease mechanism: loss of function.

Allele frequency attached by ClinVar (database versions not stated): gnomAD exomes 0.00128; 1000 Genomes Project 30x 0.00953; 1000 Genomes Project 0.00998; gnomAD 0.01021 and 0.01097; TOPMed 0.01227.
gnomAD v4.1: 2,255 of 680,854 alleles (0.33%); highest among the groups gnomAD compares: African/African-American, 3.5%; 51 homozygotes.

Submissions (5):

GeneDx
Classification: Likely benign. Last evaluated: 2018-07-07. Review status: criteria provided, single submitter. Criteria: GeneDx Variant Classification Process June 2021. Collection method: clinical testing. Allele origin: germline. Affected: yes.
Comment: This variant is associated with the following publications: (PMID: 22232426, 22140441)

Eurofins Ntd Llc (ga)
Classification: Benign. Last evaluated: 2018-03-30. Review status: criteria provided, single submitter. Criteria: EGL ClinVar v180209 classification definitions. Collection method: clinical testing. Allele origin: germline. Observed: 1 variant allele, 1 heterozygote.

Illumina Laboratory Services, Illumina
Classification: Likely benign for Familial hyperinsulinism. Last evaluated: 2017-04-27. Review status: criteria provided, single submitter. Criteria: ICSL Variant Classification Criteria 13 December 2019. Collection method: clinical testing. Allele origin: germline.
Comment: This variant was observed as part of a predisposition screen in an ostensibly healthy population. A literature search was performed for the gene, cDNA change, and amino acid change (where applicable). Publications were found based on this search. The evidence from the literature, in combination with allele frequency data from public databases where available, was sufficient to determine this variant is unlikely to cause disease. Therefore, this variant is classified as likely benign.

Illumina Laboratory Services, Illumina
Classification: Likely benign for Maturity-onset diabetes of the young type 1. Last evaluated: 2017-04-27. Review status: criteria provided, single submitter. Criteria: ICSL Variant Classification Criteria 13 December 2019. Collection method: clinical testing. Allele origin: germline.
Comment: the same text as in the submission from Illumina Laboratory Services, Illumina above.

Breakthrough Genomics
Classification: Likely benign. Review status: criteria provided, single submitter. Criteria: ACMG Guidelines, 2015. Collection method: not provided. Allele origin: germline. Inheritance: Autosomal dominant inheritance. Affected: yes.

Literature cited by the submitters: PubMed 22232426 (cited by Illumina Laboratory Services, Illumina); PubMed 22140441 (cited by Illumina Laboratory Services, Illumina).

NM_175914.5(HNF4A):c.*167T>A

Gene: HNF4A (hepatocyte nuclear factor 4 alpha; plus strand). Cytogenetic location: 20q13.12.
Variant type: single nucleotide variant.
Coding change: c.*167T>A on transcript NM_175914.5 (MANE Select); 167 bases downstream of the stop codon, T replaced by A.
Molecular consequence: 3 prime UTR variant.
Genome position (GRCh38, 1-based): chr20:44,429,832, T>A. VCF-style: chr20-44429832-T-A. GRCh37 (hg19) VCF-style: chr20-43058472-T-A.
Other names: c.*167T>A (NM_000457.6, NM_001030003.3, NM_001258355.2 and 3 more transcripts).
Identifiers: ClinVar variation 338434 (VCV000338434.13), dbSNP rs11574744, ClinGen allele CA10643882.
Genomic context (GRCh38, chr20:44,429,832, plus strand): 5'-CCAGAGCAGGAATGGGAAGGATGAAGGGCCCGAGAACATGGCCTAAGGGCCACATCCCAC[T>A]GCCACCCTTGACGCCCTGCTCTGGATAACAAGACTTTGACTTGGGGAGACCTCTACTGCC-3'